The following is an entry in ClinVar:

ClinVar aggregate classification (germline): Uncertain significance. Review status: criteria provided, multiple submitters, no conflicts (2 of 4 stars). 2 submissions from 2 submitters: Uncertain significance (2).

Conditions:
Neurodevelopmental disorder with cerebral atrophy and variable facial dysmorphism. Identifiers: MedGen C5543228, MONDO:0030999, OMIM 619244.

Submissions (2):

Juno Genomics, Hangzhou Juno Genomics, Inc
Classification: Uncertain significance for Neurodevelopmental disorder with cerebral atrophy and variable facial dysmorphism. Review status: criteria provided, single submitter. Criteria: ACMG Guidelines, 2015. Collection method: clinical testing. Allele origin: germline.
Comment: Absent from controls (or at extremely low frequency if recessive) in Genome Aggregation Database.

Neuberg Centre For Genomic Medicine, NCGM
Classification: Uncertain significance for Neurodevelopmental disorder with cerebral atrophy and variable facial dysmorphism. Review status: criteria provided, single submitter. Criteria: ACMG Guidelines, 2015. Collection method: clinical testing. Allele origin: germline. Affected: yes.
Comment: The p.Gln47Trp variant in TTC5 (NM_138376.3) has not been reported previously as a pathogenic variant nor as a benign variant, to our knowledge. The p.Gln47Trp variant is observed in 14/18,394 (0.0761%) alleles from individuals of East Asian background in gnomAD Exomes and in 1/978 (0.1022%) alleles from individuals of South Asian background in 1000 Genomes. This variant is predicted to cause loss of normal protein function through protein truncation. For these reasons, this variant has been classified as Uncertain Significance.

NM_138376.3(TTC5):c.139_140inv (p.Gln47Trp)

Gene: TTC5 (tetratricopeptide repeat domain 5; minus strand). Cytogenetic location: 14q11.2.
Variant type: Inversion.
Coding change: c.139_140inv on transcript NM_138376.3 (MANE Select).
Protein change: p.Gln47Trp; replaces glutamine 47 with tryptophan.
Molecular consequence: missense variant.
Genome position: GRCh38 VCF-style: chr14-20301877-TG-CA. GRCh37 (hg19) VCF-style: chr14-20770036-TG-CA.
Other names: c.139_140delinsTG (NM_138376.3); short protein forms Q47W.
Identifiers: ClinVar variation 1878583 (VCV001878583.3), ClinGen allele CA2580087798.
Genomic context (GRCh38, chr14:20,301,877, plus strand): 5'-TCTCTAGGGCTCATACCCACTACTTCTTCCATCTGCTGTAGGGTTTTCTCCATCTCCTTC[TG>CA]CACATCCTGTTGCTTCCTCCCAGCATCCTCAACACTATGTGTCTCGAAATAGCAGTCTCG-3'
Protein context (NP_612385.2, residues 37-57): EDAGRKQQDV[Gln47Trp]KEMEKTLQQM